The following is an entry in ClinVar:

ClinVar aggregate classification (germline): Uncertain significance (1 of 4 stars; one submission).

Conditions:
Dilated cardiomyopathy 1O (CMD1O). Also called: CARDIOMYOPATHY, DILATED, WITH VENTRICULAR TACHYCARDIA. Identifiers: Orphanet 154, MedGen C1837839, MONDO:0012062, OMIM 608569.

gnomAD v4.1: 3 of 1,614,068 alleles (0.00019%); highest among the groups gnomAD compares: Non-Finnish European, 0.00017%; no homozygotes.

Submission:

Labcorp Genetics (formerly Invitae), Labcorp
Classification: Uncertain significance for Dilated cardiomyopathy 1O. Last evaluated: 2024-08-22. Review status: criteria provided, single submitter. Criteria: Invitae Variant Classification Sherloc (09022015). Collection method: clinical testing. Allele origin: germline.
Comment: This sequence change replaces leucine, which is neutral and non-polar, with glutamine, which is neutral and polar, at codon 1201 of the ABCC9 protein (p.Leu1201Gln). This variant is not present in population databases (gnomAD no frequency). This variant has not been reported in the literature in individuals affected with ABCC9-related conditions. ClinVar contains an entry for this variant (Variation ID: 1013769). Invitae Evidence Modeling of protein sequence and biophysical properties (such as structural, functional, and spatial information, amino acid conservation, physicochemical variation, residue mobility, and thermodynamic stability) has been performed for this missense variant. However, the output from this modeling did not meet the statistical confidence thresholds required to predict the impact of this variant on ABCC9 protein function. In summary, the available evidence is currently insufficient to determine the role of this variant in disease. Therefore, it has been classified as a Variant of Uncertain Significance.

NM_020297.4(ABCC9):c.3602T>A (p.Leu1201Gln)

Genes: ABCC9 (ATP binding cassette subfamily C member 9; minus strand), KCNJ8-AS1 (KCNJ8 antisense RNA 1; plus strand). Cytogenetic location: 12p12.1.
Variant type: single nucleotide variant.
Coding change: c.3602T>A on transcript NM_020297.4 (MANE Select); coding-DNA position 3602, T replaced by A.
Protein change: p.Leu1201Gln; replaces leucine 1201 with glutamine.
Molecular consequence: missense variant.
Genome position (GRCh38, 1-based): chr12:21,829,025, A>T on the plus strand (T>A on the coding strand, the complement: ABCC9 is on the minus strand). VCF-style: chr12-21829025-A-T. GRCh37 (hg19) VCF-style: chr12-21981959-A-T.
Other names: c.3602T>A, p.Leu1201Gln (NM_001377273.1, NM_005691.4); c.2735T>A, p.Leu912Gln (NM_001377274.1); short protein forms L1201Q, L912Q.
Identifiers: ClinVar variation 1013769 (VCV001013769.8), dbSNP rs766633076, ClinGen allele CA384140259.